The following is an entry in ClinVar:

NM_001122630.2(CDKN1C):c.661C>T (p.Gln221Ter)

Gene: CDKN1C (cyclin dependent kinase inhibitor 1C; minus strand). Cytogenetic location: 11p15.4.
Variant type: single nucleotide variant.
Coding change: c.661C>T on transcript NM_001122630.2 (MANE Select); coding-DNA position 661, C replaced by T.
Protein change: p.Gln221Ter; replaces glutamine 221 with a stop codon.
Molecular consequence: nonsense. On other transcripts: intron variant (1).
Genome position (GRCh38, 1-based): chr11:2,884,796, G>A on the plus strand (C>T on the coding strand, the complement: CDKN1C is on the minus strand). VCF-style: chr11-2884796-G-A. GRCh37 (hg19) VCF-style: chr11-2906026-G-A.
Other names: c.694C>T, p.Gln232Ter (LRG_533t1, NM_000076.2, NM_001362474.2); c.661C>T, p.Gln221Ter (NM_001122631.2); c.255+406C>T (NM_001362475.2); short protein forms Q232*, Q221*.
Identifiers: ClinVar variation 210647 (VCV000210647.9), dbSNP rs797045445, ClinGen allele CA277051.

ClinVar aggregate classification (germline): Pathogenic. Review status: criteria provided, multiple submitters, no conflicts (2 of 4 stars). 3 submissions from 3 submitters: Pathogenic (3). Last evaluated 2025-03-12.

Conditions:
Beckwith-Wiedemann syndrome (BWS). Also called: EMG SYNDROME; Exomphalos macroglossia gigantism syndrome. Identifiers: Orphanet 116, MedGen C0004903, MONDO:0007534, OMIM 130650.
CDKN1C-related disorder. Also called: CDKN1C-related condition.

gnomAD v4.1: 1 of 1,474,196 alleles (0.000068%); highest among the groups gnomAD compares: Non-Finnish European, 0.00009%; no homozygotes.

Submissions (3):

Victorian Clinical Genetics Services, Murdoch Childrens Research Institute
Classification: Pathogenic for Beckwith-Wiedemann syndrome. Last evaluated: 2025-03-12. Review status: criteria provided, single submitter. Criteria: ACMG Guidelines, 2015. Collection method: clinical testing. Allele origin: germline. Affected: yes.
Comment: This variant is classified as Pathogenic. Evidence in support of pathogenic classification: Variant is predicted to cause nonsense-mediated decay (NMD) and loss of protein (premature termination codon is located at least 54 nucleotides upstream of the final exon-exon junction); Variant is present in gnomAD <0.001 for a dominant condition (v4: 1 heterozygote(s), 0 homozygote(s)); This variant has limited previous evidence of pathogenicity in unrelated individual(s). This variant has been classified as pathogenic by clinical laboratories in ClinVar; Other NMD-predicted variant(s) comparable to the one identified in this case have very strong previous evidence for pathogenicity (DECIPHER). Additional information: This variant is heterozygous; This gene is associated with autosomal dominant disease; Loss of function and gain of function are known mechanisms of disease in this gene. Pathogenic missense variants in the PCNA-binding site of CDKN1C exhibit a gain of function effect and are associated with IMAGE syndrome (MIM#614732) (PMID: 25262539), whilst loss of function variants are associated with Beckwith-Wiedemann syndrome (MIM#130650); This gene is known to be imprinted. CDKN1C is expressed from the maternal allele (PMID: 25262539).

PreventionGenetics, part of Exact Sciences
Classification: Pathogenic for CDKN1C-related condition. Last evaluated: 2022-10-11. Review status: criteria provided, single submitter. Criteria: ACMG Guidelines, 2015. Collection method: clinical testing. Allele origin: germline.
Comment: The CDKN1C c.694C>T variant is predicted to result in premature protein termination (p.Gln232*). This variant has been reported in patients with Beckwith-Wiedemann syndrome (Romanelli et al. 2010. PubMed ID: 20503313; Baker et al. 2020. PubMed ID: 32430359). This variant has not been reported in a large population database, indicating this variant is rare. Nonsense variants in CDKN1C are expected to be pathogenic. This variant is interpreted as pathogenic.

Genetic Services Laboratory, University of Chicago
Classification: Pathogenic for Beckwith-Wiedemann syndrome. Last evaluated: 2015-01-09. Review status: criteria provided, single submitter. Criteria: ACMG Guidelines, 2015. Collection method: clinical testing. Allele origin: germline. Affected: yes.

Literature cited by the submitters: PubMed 25262539 (cited by Victorian Clinical Genetics Services, Murdoch Childrens Research Institute).